The following is an entry in ClinVar:

ClinVar aggregate classification (germline): Pathogenic (1 of 4 stars; one submission).

Conditions:
Neurofibromatosis, type 1 (NF1). Also called: VON RECKLINGHAUSEN DISEASE; Neurofibromatosis, type I; Peripheral type neurofibromatosis; NEUROFIBROMATOSIS, TYPE I, SOMATIC. Identifiers: Orphanet 636, MedGen C0027831, MONDO:0018975, OMIM 162200. Disease mechanism: loss of function.

Submission:

Labcorp Genetics (formerly Invitae), Labcorp
Classification: Pathogenic for Neurofibromatosis, type 1. Last evaluated: 2023-05-24. Review status: criteria provided, single submitter. Criteria: Invitae Variant Classification Sherloc (09022015). Collection method: clinical testing. Allele origin: germline.
Comment: This sequence change creates a premature translational stop signal (p.Tyr1614Cysfs*5) in the NF1 gene. It is expected to result in an absent or disrupted protein product. Loss-of-function variants in NF1 are known to be pathogenic (PMID: 10712197, 23913538). This variant is not present in population databases (gnomAD no frequency). This variant has not been reported in the literature in individuals affected with NF1-related conditions. For these reasons, this variant has been classified as Pathogenic.

Literature cited by the submitters: PubMed 10712197; PubMed 23913538.

NM_001042492.3(NF1):c.4904_4905del (p.Tyr1635fs)

Gene: NF1 (neurofibromin 1; plus strand). Cytogenetic location: 17q11.2.
Variant type: Deletion.
Coding change: c.4904_4905del on transcript NM_001042492.3 (MANE Select); coding-DNA positions 4904 to 4905, 2 bases deleted (AT; older notation c.4904_4905delAT).
Protein change: p.Tyr1635fs; shifts the reading frame from tyrosine 1635.
Molecular consequence: frameshift variant.
Genome position (GRCh38, 1-based): chr17:31,325,888-31,325,889, AT deleted; deleting any 2 consecutive bases within chr17:31,325,887-31,325,889 gives the same sequence; the c. name uses the placement nearest the transcript's 3' end. VCF-style (leftmost placement, unchanged base first): chr17-31325886-TTA-T. GRCh37 (hg19) VCF-style: chr17-29652904-TTA-T.
Other names: c.4841_4842delAT, p.Tyr1614Cysfs (NM_000267.4); short protein forms Y1614fs, Y1635fs.
Identifiers: ClinVar variation 2855440 (VCV002855440.3), dbSNP rs2508694806, ClinGen allele CA2739267452.